The following is an entry in ClinVar:

NM_001367721.1(CASK):c.1912A>T (p.Ile638Phe)

Gene: CASK (calcium/calmodulin dependent serine protein kinase; minus strand). Cytogenetic location: Xp11.4.
Variant type: single nucleotide variant.
Coding change: c.1912A>T on transcript NM_001367721.1 (MANE Select); coding-DNA position 1912, A replaced by T.
Protein change: p.Ile638Phe; replaces isoleucine 638 with phenylalanine.
Molecular consequence: missense variant.
Genome position (GRCh38, 1-based): chrX:41,553,846, T>A on the plus strand (A>T on the coding strand, the complement: CASK is on the minus strand). VCF-style: chrX-41553846-T-A. GRCh37 (hg19) VCF-style: chrX-41413099-T-A.
Other names: c.1843A>T, p.Ile615Phe (NM_001126054.3); c.1825A>T, p.Ile609Phe (NM_001126055.3); c.1894A>T, p.Ile632Phe (NM_001410745.1); c.1912A>T, p.Ile638Phe (NM_003688.4); short protein forms I609F, I615F, I638F, I632F.
Identifiers: ClinVar variation 2087013 (VCV002087013.4), dbSNP rs2519751966, ClinGen allele CA412993117.
Genomic context (GRCh38, chrX:41,553,846, plus strand): 5'-GCCACCAATTATGATCATCCTTACTAATAATCTGGATGATGTCACCAACTCTGAATCGAA[T>A]GCCAGCTTCTTTACAGGGGATGAGGTCATCCTTGGCTGGATCATATTCAAATTGTGCTCT-3'
Protein context (NP_001354650.1, residues 628-648): DDLIPCKEAG[Ile638Phe]RFRVGDIIQI

ClinVar aggregate classification (germline): Uncertain significance (1 of 4 stars; one submission).

Conditions:
Intellectual disability, CASK-related, X-linked. Identifiers: MedGen CN043158.

Submission:

Labcorp Genetics (formerly Invitae), Labcorp
Classification: Uncertain significance for Intellectual disability, CASK-related, X-linked. Last evaluated: 2022-01-21. Review status: criteria provided, single submitter. Criteria: Invitae Variant Classification Sherloc (09022015). Collection method: clinical testing. Allele origin: germline.
Comment: In summary, the available evidence is currently insufficient to determine the role of this variant in disease. Therefore, it has been classified as a Variant of Uncertain Significance. Algorithms developed to predict the effect of missense changes on protein structure and function are either unavailable or do not agree on the potential impact of this missense change (SIFT: "Deleterious"; PolyPhen-2: "Possibly Damaging"; Align-GVGD: "Class C15"). This variant has not been reported in the literature in individuals affected with CASK-related conditions. This variant is not present in population databases (gnomAD no frequency). This sequence change replaces isoleucine, which is neutral and non-polar, with phenylalanine, which is neutral and non-polar, at codon 638 of the CASK protein (p.Ile638Phe).